The following is an entry in ClinVar:

NM_000701.8(ATP1A1):c.620C>T (p.Ser207Phe)

Gene: ATP1A1 (ATPase Na+/K+ transporting subunit alpha 1; plus strand). Cytogenetic location: 1p13.1.
Variant type: single nucleotide variant.
Coding change: c.620C>T on transcript NM_000701.8 (MANE Select); coding-DNA position 620, C replaced by T.
Protein change: p.Ser207Phe; replaces serine 207 with phenylalanine.
Molecular consequence: missense variant.
Genome position (GRCh38, 1-based): chr1:116,388,756, C>T. VCF-style: chr1-116388756-C-T. GRCh37 (hg19) VCF-style: chr1-116931378-C-T.
Other names: c.620C>T, p.Ser207Phe (NM_001160233.2); c.527C>T, p.Ser176Phe (NM_001160234.2); short protein forms S207F, S176F.
Identifiers: ClinVar variation 3572864 (VCV003572864.3).

ClinVar aggregate classification (germline): Likely pathogenic. Review status: criteria provided, multiple submitters, no conflicts (2 of 4 stars). 2 submissions from 2 submitters: Likely pathogenic (2). Last evaluated 2026-01-19.

Conditions:
Charcot-Marie-tooth disease, axonal, type 2DD. Also called: CHARCOT-MARIE-TOOTH NEUROPATHY, TYPE 2DD. Identifiers: Orphanet 521414, MedGen C4747974, MONDO:0054833, OMIM 618036.

Submissions (2):

Concord Molecular Medicine Laboratory, Concord Repatriation General Hospital
Classification: Likely pathogenic for Charcot-Marie-tooth disease, axonal, type 2DD. Last evaluated: 2026-01-19. Review status: criteria provided, single submitter. Criteria: ACMG Guidelines, 2015. Collection method: clinical testing. Allele origin: germline. Inheritance: Autosomal dominant inheritance. Affected: yes.
Comment: This is a rare variant that is absent from control population database (gnomAD v4.1.0). The variant has been identified in multiple members of an affected family and segregates with disease. Functional studies showed a damaging effect via promoting proteasome degradation. The variant is located within the critical P-type ATPase domain. In silico analysis suggests a pathogenic effect (REVEL 0.71).

Department of Human Genetics, University Hospital Bern, Inselspital
Classification: Likely pathogenic for Charcot-Marie-tooth disease, axonal, type 2DD. Last evaluated: 2025-01-07. Review status: criteria provided, single submitter. Criteria: ACMG Guidelines, 2015. Collection method: clinical testing. Allele origin: unknown. Inheritance: Autosomal dominant inheritance. Affected: yes. Observed: 1 heterozygote.
Comment: This variant is not present in gnomAD (v4.1.0) but has been described as disease causing in several affected individuals of a chinese family with intermediate CMT (He et al., 2019, PMID: 31373411). The study showed that this variant affecting a functionally relevant phosphoserine promotes proteasome-mediated degradation of the aberrant protein (without affecting mRNA expression level). It is predicted to be pathogenic by the prediction program REVEL.

Literature cited by the submitters: PubMed 31373411 (cited by Concord Molecular Medicine Laboratory, Concord Repatriation General Hospital and Department of Human Genetics, University Hospital Bern, Inselspital).